The following is an entry in ClinVar:

ClinVar aggregate classification (germline): Uncertain significance (1 of 4 stars; one submission).

Conditions:
Rafiq syndrome (RAFQS). Identifiers: Orphanet 88616, MedGen C3280127, MONDO:0013624, OMIM 614202.

Allele frequency attached by ClinVar (database versions not stated): gnomAD exomes below 0.00001; ExAC 0.00001; gnomAD 0.00001.
gnomAD v4.1: 7 of 1,614,058 alleles (0.00043%); highest among the groups gnomAD compares: Admixed American, 0.0017%; no homozygotes.

Submission:

Labcorp Genetics (formerly Invitae), Labcorp
Classification: Uncertain significance for Rafiq syndrome. Last evaluated: 2022-09-07. Review status: criteria provided, single submitter. Criteria: Invitae Variant Classification Sherloc (09022015). Collection method: clinical testing. Allele origin: germline.
Comment: This sequence change replaces methionine, which is neutral and non-polar, with valine, which is neutral and non-polar, at codon 298 of the MAN1B1 protein (p.Met298Val). This variant is present in population databases (rs753769878, gnomAD 0.003%). This variant has not been reported in the literature in individuals affected with MAN1B1-related conditions. Algorithms developed to predict the effect of missense changes on protein structure and function are either unavailable or do not agree on the potential impact of this missense change (SIFT: "Tolerated"; PolyPhen-2: "Possibly Damaging"; Align-GVGD: "Class C0"). In summary, the available evidence is currently insufficient to determine the role of this variant in disease. Therefore, it has been classified as a Variant of Uncertain Significance.

NM_016219.5(MAN1B1):c.892A>G (p.Met298Val)

Gene: MAN1B1 (mannosidase alpha class 1B member 1; plus strand). Cytogenetic location: 9q34.3.
Variant type: single nucleotide variant.
Coding change: c.892A>G on transcript NM_016219.5 (MANE Select); coding-DNA position 892, A replaced by G.
Protein change: p.Met298Val; replaces methionine 298 with valine.
Molecular consequence: missense variant. On other transcripts: non-coding transcript variant (2).
Genome position (GRCh38, 1-based): chr9:137,099,857, A>G. VCF-style: chr9-137099857-A-G. GRCh37 (hg19) VCF-style: chr9-139994309-A-G.
Other names: c.784A>G, p.Met262Val (NM_007230.1); short protein forms M298V, M262V.
Identifiers: ClinVar variation 2185545 (VCV002185545.1), dbSNP rs753769878, ClinGen allele CA5358821.